The following is an entry in ClinVar:

ClinVar aggregate classification (germline): Uncertain significance (1 of 4 stars; one submission).

Conditions:
Spermatogenic failure 40. Identifiers: MedGen C5231451, MONDO:0032859, OMIM 618664.

Allele frequency attached by ClinVar (database versions not stated): 1000 Genomes Project 30x 0.00031; 1000 Genomes Project 0.00040; gnomAD 0.00099 and 0.00110; TOPMed 0.00105; ESP Exome Variant Server 0.00108.

Submission:

Baylor Genetics
Classification: Uncertain significance for Spermatogenic failure 40. Last evaluated: 2020-05-05. Review status: criteria provided, single submitter. Criteria: ACMG Guidelines, 2015. Collection method: clinical testing. Allele origin: unknown. Affected: yes.
Comment: This variant was determined to be of uncertain significance according to ACMG Guidelines, 2015 [PMID:25741868].

NM_194302.4(CFAP65):c.1489G>A (p.Ala497Thr)

Gene: CFAP65 (cilia and flagella associated protein 65; minus strand). Cytogenetic location: 2q35.
Variant type: single nucleotide variant.
Coding change: c.1489G>A on transcript NM_194302.4 (MANE Select); coding-DNA position 1489, G replaced by A.
Protein change: p.Ala497Thr; replaces alanine 497 with threonine.
Molecular consequence: missense variant.
Genome position (GRCh38, 1-based): chr2:219,029,564, C>T on the plus strand (G>A on the coding strand, the complement: CFAP65 is on the minus strand). VCF-style: chr2-219029564-C-T. GRCh37 (hg19) VCF-style: chr2-219894286-C-T.
Other names: c.1456G>A, p.Ala486Thr (NM_001278295.1); c.1294G>A, p.Ala432Thr (NM_001278296.2); short protein forms A486T, A497T, A432T.
Identifiers: ClinVar variation 1030448 (VCV001030448.1), dbSNP rs148965868, ClinGen allele CA2115956.